The following is an entry in ClinVar:

NM_000536.4(RAG2):c.1526G>A (p.Gly509Asp)

Gene: RAG2 (recombination activating 2; minus strand). Cytogenetic location: 11p12.
Variant type: single nucleotide variant.
Coding change: c.1526G>A on transcript NM_000536.4 (MANE Select); coding-DNA position 1526, G replaced by A.
Protein change: p.Gly509Asp; replaces glycine 509 with aspartic acid.
Molecular consequence: missense variant.
Genome position (GRCh38, 1-based): chr11:36,592,643, C>T on the plus strand (G>A on the coding strand, the complement: RAG2 is on the minus strand). VCF-style: chr11-36592643-C-T. GRCh37 (hg19) VCF-style: chr11-36614193-C-T.
Other names: c.1526G>A, p.Gly509Asp (NM_001243785.2, NM_001243786.2); short protein forms G509D.
Identifiers: ClinVar variation 5003493 (VCV005003493.1).

ClinVar aggregate classification (germline): Uncertain significance (1 of 4 stars; one submission).

Conditions:
Recombinase activating gene 2 deficiency. Also called: RAG2 deficiency. Identifiers: MedGen CN257931, MONDO:0000573.

Submission:

Myriad Genetics, Inc.
Classification: Uncertain significance for Recombinase activating gene 2 deficiency. Last evaluated: 2025-09-03. Review status: criteria provided, single submitter. Criteria: Myriad Autosomal Dominant, Autosomal Recessive and X-Linked Classification Criteria (2023). Collection method: clinical testing. Allele origin: unknown.
Comment: NM_001243785.1(RAG2):c.1526G>A(G509D) is a missense variant classified as a variant of uncertain significance in the context of severe combined immunodeficiency, RAG2-related. G509D has been observed in a case with relevant disease (PMID: 34573280). Relevant functional assessments of this variant are not available in the literature. G509D has been observed in referenced population frequency databases. In summary, there is insufficient evidence to classify NM_001243785.1(RAG2):c.1526G>A(G509D) as pathogenic or benign. Please note: this variant was assessed in the context of healthy population screening.

Literature cited by the submitters: PubMed 34573280.